The following is an entry in ClinVar:

NM_007215.4(POLG2):c.734C>G (p.Pro245Arg)

Genes: MILR1 (mast cell immunoglobulin like receptor 1; plus strand), POLG2 (DNA polymerase gamma 2, accessory subunit; minus strand). Cytogenetic location: 17q23.3.
Variant type: single nucleotide variant.
Coding change: c.734C>G on transcript NM_007215.4 (MANE Select); coding-DNA position 734, C replaced by G.
Protein change: p.Pro245Arg; replaces proline 245 with arginine.
Molecular consequence: missense variant.
Genome position (GRCh38, 1-based): chr17:64,492,728, G>C on the plus strand (C>G on the coding strand, the complement: POLG2 is on the minus strand). VCF-style: chr17-64492728-G-C. GRCh37 (hg19) VCF-style: chr17-62488845-G-C.
Other names: short protein forms P245R.
Identifiers: ClinVar variation 2800613 (VCV002800613.3), dbSNP rs61751984, ClinGen allele CA400639085.

ClinVar aggregate classification (germline): Uncertain significance (1 of 4 stars; one submission).

gnomAD v4.1: 1 of 1,613,120 alleles (0.000062%); highest among the groups gnomAD compares: Non-Finnish European, 0.000085%; no homozygotes.

Submission:

Labcorp Genetics (formerly Invitae), Labcorp
Classification: Uncertain significance. Last evaluated: 2024-01-09. Review status: criteria provided, single submitter. Criteria: Invitae Variant Classification Sherloc (09022015). Collection method: clinical testing. Allele origin: germline.
Comment: This sequence change replaces proline, which is neutral and non-polar, with arginine, which is basic and polar, at codon 245 of the POLG2 protein (p.Pro245Arg). This variant is not present in population databases (gnomAD no frequency). This variant has not been reported in the literature in individuals affected with POLG2-related conditions. An algorithm developed to predict the effect of missense changes on protein structure and function (PolyPhen-2) suggests that this variant is likely to be tolerated. In summary, the available evidence is currently insufficient to determine the role of this variant in disease. Therefore, it has been classified as a Variant of Uncertain Significance.